The following is an entry in ClinVar:

ClinVar aggregate classification (germline): Likely pathogenic (1 of 4 stars; one submission).

Conditions:
Polycystic kidney disease 4 (PKD4). Also called: POLYCYSTIC KIDNEY AND HEPATIC DISEASE 1; POLYCYSTIC KIDNEY DISEASE, INFANTILE, TYPE I; POLYCYSTIC KIDNEY DISEASE 4 WITH OR WITHOUT POLYCYSTIC LIVER DISEASE; PKD3; Autosomal Recessive Polycystic Kidney Disease – PKHD1. Identifiers: MedGen C4540575, MONDO:0033004, OMIM 263200.

Submission:

Myriad Genetics, Inc.
Classification: Likely pathogenic for Polycystic kidney disease 4. Last evaluated: 2021-12-29. Review status: criteria provided, single submitter. Criteria: Myriad Women's Health Autosomal Recessive and X-Linked Classification Criteria (2021). Collection method: clinical testing. Allele origin: unknown.
Comment: NM_138694.3(PKHD1):c.4677T>A(Y1559*) is expected to be pathogenic in the context of autosomal recessive polycystic kidney disease, PKHD1-related. This variant is predicted to lead to an abnormal or absent protein product due to the creation of a premature termination codon in PKHD1, a gene where loss-of-function variants are known to be pathogenic. Please note: this variant was assessed in the context of healthy population screening.

NM_138694.4(PKHD1):c.4677T>A (p.Tyr1559Ter)

Genes: PKHD1 (PKHD1 ciliary IPT domain containing fibrocystin/polyductin; minus strand), LOC126859690 (MED14-independent group 3 enhancer GRCh37_chr6:51888848-51890047; plus strand). Cytogenetic location: 6p12.2.
Variant type: single nucleotide variant.
Coding change: c.4677T>A on transcript NM_138694.4 (MANE Select); coding-DNA position 4677, T replaced by A.
Protein change: p.Tyr1559Ter; replaces tyrosine 1559 with a stop codon.
Molecular consequence: nonsense.
Genome position (GRCh38, 1-based): chr6:52,025,133, A>T on the plus strand (T>A on the coding strand, the complement: PKHD1 is on the minus strand). VCF-style: chr6-52025133-A-T. GRCh37 (hg19) VCF-style: chr6-51889931-A-T.
Other names: c.4677T>A, p.Tyr1559Ter (NM_170724.3); short protein forms Y1559*.
Identifiers: ClinVar variation 1726637 (VCV001726637.2), dbSNP rs2532702616, ClinGen allele CA364431905.